The following is an entry in ClinVar:

NM_004068.4(AP2M1):c.376A>G (p.Thr126Ala)

Gene: AP2M1 (adaptor related protein complex 2 subunit mu 1; plus strand). Cytogenetic location: 3q27.1.
Variant type: single nucleotide variant.
Coding change: c.376A>G on transcript NM_004068.4 (MANE Select); coding-DNA position 376, A replaced by G.
Protein change: p.Thr126Ala; replaces threonine 126 with alanine.
Molecular consequence: missense variant.
Genome position (GRCh38, 1-based): chr3:184,180,204, A>G. VCF-style: chr3-184180204-A-G. GRCh37 (hg19) VCF-style: chr3-183897992-A-G.
Other names: c.376A>G, p.Thr126Ala (NM_001025205.2); c.451A>G, p.Thr151Ala (NM_001311198.2); short protein forms T151A, T126A.
Identifiers: ClinVar variation 4769253 (VCV004769253.1).

ClinVar aggregate classification (germline): Uncertain significance (1 of 4 stars; one submission).

Submission:

Labcorp Genetics (formerly Invitae), Labcorp
Classification: Uncertain significance. Last evaluated: 2025-09-08. Review status: criteria provided, single submitter. Criteria: Invitae Variant Classification Sherloc (09022015). Collection method: clinical testing. Allele origin: germline.
Comment: This sequence change replaces threonine, which is neutral and polar, with alanine, which is neutral and non-polar, at codon 126 of the AP2M1 protein (p.Thr126Ala). This variant is not present in population databases (gnomAD no frequency). This variant has not been reported in the literature in individuals affected with AP2M1-related conditions. An algorithm developed to predict the effect of missense changes on protein structure and function (PolyPhen-2) suggests that this variant is likely to be tolerated. In summary, the available evidence is currently insufficient to determine the role of this variant in disease. Therefore, it has been classified as a Variant of Uncertain Significance.